The following is an entry in ClinVar:

NM_003079.5(SMARCE1):c.394G>T (p.Ala132Ser)

Gene: SMARCE1 (SWI/SNF related BAF chromatin remodeling complex subunit E1; minus strand). Cytogenetic location: 17q21.2.
Variant type: single nucleotide variant.
Coding change: c.394G>T on transcript NM_003079.5 (MANE Select); coding-DNA position 394, G replaced by T.
Protein change: p.Ala132Ser; replaces alanine 132 with serine.
Molecular consequence: missense variant.
Genome position (GRCh38, 1-based): chr17:40,636,078, C>A on the plus strand (G>T on the coding strand, the complement: SMARCE1 is on the minus strand). VCF-style: chr17-40636078-C-A. GRCh37 (hg19) VCF-style: chr17-38792330-C-A.
Other names: short protein forms A132S.
Identifiers: ClinVar variation 4170314 (VCV004170314.1).

ClinVar aggregate classification (germline): Uncertain significance (1 of 4 stars; one submission).

Conditions:
Hereditary cancer-predisposing syndrome. Also called: Neoplastic Syndromes, Hereditary; Tumor predisposition; Hereditary Cancer Syndrome; Hereditary neoplastic syndrome. Identifiers: Orphanet 140162, MedGen C0027672, MeSH D009386, MONDO:0015356.

Submission:

Ambry Genetics
Classification: Uncertain significance for Hereditary cancer-predisposing syndrome. Last evaluated: 2025-06-19. Review status: criteria provided, single submitter. Criteria: Ambry Variant Classification Scheme 2023. Collection method: clinical testing. Allele origin: germline.
Comment: The p.A132S variant (also known as c.394G>T), located in coding exon 6 of the SMARCE1 gene, results from a G to T substitution at nucleotide position 394. The alanine at codon 132 is replaced by serine, an amino acid with similar properties. This amino acid position is conserved. In addition, the in silico prediction for this alteration is inconclusive. Based on the available evidence, the clinical significance of this variant remains unclear.